The following is an entry in ClinVar:

ClinVar aggregate classification (germline): Likely pathogenic (1 of 4 stars; one submission).

Submission:

GeneDx
Classification: Likely pathogenic. Last evaluated: 2025-03-06. Review status: criteria provided, single submitter. Criteria: GeneDx Variant Classification Process June 2021. Collection method: clinical testing. Allele origin: germline. Affected: yes.
Comment: Has not been previously published as pathogenic or benign to our knowledge; Not observed at significant frequency in large population cohorts (gnomAD); In silico analysis supports that this missense variant has a deleterious effect on protein structure/function

NM_145868.2(ANXA11):c.119A>T (p.Asp40Val)

Gene: ANXA11 (annexin A11; minus strand). Cytogenetic location: 10q22.3.
Variant type: single nucleotide variant.
Coding change: c.119A>T on transcript NM_145868.2 (MANE Select); coding-DNA position 119, A replaced by T.
Protein change: p.Asp40Val; replaces aspartic acid 40 with valine.
Molecular consequence: missense variant.
Genome position (GRCh38, 1-based): chr10:80,170,852, T>A on the plus strand (A>T on the coding strand, the complement: ANXA11 is on the minus strand). VCF-style: chr10-80170852-T-A. GRCh37 (hg19) VCF-style: chr10-81930608-T-A.
Other names: c.119A>T, p.Asp40Val (NM_001157.3, NM_001278407.2, NM_001278408.2 and 1 more transcripts); c.20A>T, p.Asp7Val (NM_001278409.2); short protein forms D40V, D7V.
Identifiers: ClinVar variation 4083415 (VCV004083415.1).
Genomic context (GRCh38, chr10:80,170,852, plus strand): 5'-GGACTCACCATTCCCGAGAGATAGTCCTGGTTGAACTGCCCCGCATAGGTGGCCACGTTA[T>A]CCAGCCCGATGGGGGGCATGCTGGGCGGAGGAGGGTAGGCAGCACCTCCCCAGGGACCAC-3'
Protein context (NP_665875.1, residues 30-50): PPPSMPPIGL[Asp40Val]NVATYAGQFN